The following is an entry in ClinVar:

NM_001371279.1(REEP1):c.44G>T (p.Gly15Val)

Gene: REEP1 (receptor accessory protein 1; minus strand). Cytogenetic location: 2p11.2.
Variant type: single nucleotide variant.
Coding change: c.44G>T on transcript NM_001371279.1 (MANE Select); coding-DNA position 44, G replaced by T.
Protein change: p.Gly15Val; replaces glycine 15 with valine.
Molecular consequence: missense variant. On other transcripts: intron variant (1).
Genome position (GRCh38, 1-based): chr2:86,282,231, C>A on the plus strand (G>T on the coding strand, the complement: REEP1 is on the minus strand). VCF-style: chr2-86282231-C-A. GRCh37 (hg19) VCF-style: chr2-86509354-C-A.
Other names: c.65G>T, p.Gly22Val (NM_001164730.2); c.44G>T, p.Gly15Val (NM_001164732.2, NM_001371280.1, NM_001410855.1 and 2 more transcripts); c.25-18190G>T (NM_001164731.2); short protein forms G15V, G22V.
Identifiers: ClinVar variation 2627918 (VCV002627918.1), dbSNP rs2468983362, ClinGen allele CA347722751.

ClinVar aggregate classification (germline): Likely pathogenic (1 of 4 stars; one submission).

Conditions:
Hereditary spastic paraplegia 31. Also called: SPASTIC PARAPLEGIA 31, AUTOSOMAL DOMINANT. Identifiers: Orphanet 101011, MedGen C1853247, MONDO:0012453, OMIM 610250.

Submission:

Illumina Laboratory Services, Illumina
Classification: Likely pathogenic for Hereditary spastic paraplegia 31. Last evaluated: 2023-08-10. Review status: criteria provided, single submitter. Criteria: ICSLVariantClassificationCriteria RUGD 01 April 2020. Collection method: clinical testing. Allele origin: unknown.
Comment: The REEP1 c.44G>T (p.Gly15Val) missense variant has not, to our knowledge, been reported in the peer-reviewed literature. This variant is not observed in version 2.1.1 or version 3.1.2 of the Genome Aggregation Database. It is located in a known mutation hotspot. Multiple lines of computational evidence suggest c.44G>T impacts the gene or gene product. This variant was identified in a de novo state. Based on the available evidence, the c.44G>T (p.Gly15Val) variant is classified as likely pathogenic for hereditary spastic paraplegia.